The following is an entry in ClinVar:

ClinVar aggregate classification (germline): Likely pathogenic (1 of 4 stars; one submission).

Conditions:
Autosomal recessive limb-girdle muscular dystrophy type 2J (LGMDR10). Also called: Limb-girdle muscular dystrophy, type 2J; MUSCULAR DYSTROPHY, LIMB-GIRDLE, AUTOSOMAL RECESSIVE 10. Identifiers: Orphanet 140922, MedGen C1837342, MONDO:0012127, OMIM 608807.
Dilated cardiomyopathy 1G (CMD1G). Identifiers: Orphanet 154, MedGen C1858763, MONDO:0011400, OMIM 604145.

Submission:

Labcorp Genetics (formerly Invitae), Labcorp
Classification: Likely pathogenic for Dilated cardiomyopathy 1G; Autosomal recessive limb-girdle muscular dystrophy type 2J. Last evaluated: 2025-08-25. Review status: criteria provided, single submitter. Criteria: Invitae Variant Classification Sherloc (09022015). Collection method: clinical testing. Allele origin: germline.
Comment: This sequence change creates a premature translational stop signal (p.Tyr21537*) in the TTN gene. While this is not anticipated to result in nonsense mediated decay, it is expected to create a truncated TTN protein. This variant is not present in population databases (gnomAD no frequency). This variant has not been reported in the literature in individuals affected with TTN-related conditions. This variant is located in the A band of TTN (PMID: 25589632). Truncating variants in this region are significantly overrepresented in patients affected with dilated cardiomyopathy (PMID: 25589632). Truncating variants in this region have also been reported in individuals affected with autosomal recessive centronuclear myopathy (PMID: 23975875). In summary, the currently available evidence indicates that the variant is pathogenic, but additional data are needed to prove that conclusively. Therefore, this variant has been classified as Likely Pathogenic.

Literature cited by the submitters: PubMed 25589632; PubMed 23975875.

NM_001267550.2(TTN):c.64611C>A (p.Tyr21537Ter)

Genes: TTN-AS1 (TTN antisense RNA 1; plus strand), TTN (titin; minus strand). Cytogenetic location: 2q31.2.
Variant type: single nucleotide variant.
Coding change: c.64611C>A on transcript NM_001267550.2 (MANE Select); coding-DNA position 64611, C replaced by A.
Protein change: p.Tyr21537Ter; replaces tyrosine 21537 with a stop codon.
Molecular consequence: nonsense.
Genome position (GRCh38, 1-based): chr2:178,585,133, G>T on the plus strand (C>A on the coding strand, the complement: TTN is on the minus strand). VCF-style: chr2-178585133-G-T. GRCh37 (hg19) VCF-style: chr2-179449860-G-T.
Other names: c.59688C>A, p.Tyr19896Ter (NM_001256850.1); c.37416C>A, p.Tyr12472Ter (NM_003319.4); c.56907C>A, p.Tyr18969Ter (NM_133378.4); c.37791C>A, p.Tyr12597Ter (NM_133432.3); c.37992C>A, p.Tyr12664Ter (NM_133437.4); short protein forms Y12597*, Y19896*, Y12472*, Y21537*, Y12664*, Y18969*.
Identifiers: ClinVar variation 4785952 (VCV004785952.1).